The following is an entry in ClinVar:

ClinVar aggregate classification (germline): Uncertain significance. Review status: criteria provided, multiple submitters, no conflicts (2 of 4 stars). 2 submissions from 2 submitters: Uncertain significance (2). Last evaluated 2025-12-08.

Conditions:
Inborn genetic diseases. Identifiers: MedGen C0950123, MeSH D030342.

Allele frequency attached by ClinVar (database versions not stated): gnomAD exomes below 0.00001; TOPMed below 0.00001.

Submissions (2):

Ambry Genetics
Classification: Uncertain significance for Inborn genetic diseases. Last evaluated: 2025-12-08. Review status: criteria provided, single submitter. Criteria: Ambry Variant Classification Scheme 2023. Collection method: clinical testing. Allele origin: germline.

Labcorp Genetics (formerly Invitae), Labcorp
Classification: Uncertain significance. Last evaluated: 2022-08-23. Review status: criteria provided, single submitter. Criteria: Invitae Variant Classification Sherloc (09022015). Collection method: clinical testing. Allele origin: germline.
Comment: In summary, the available evidence is currently insufficient to determine the role of this variant in disease. Therefore, it has been classified as a Variant of Uncertain Significance. Algorithms developed to predict the effect of missense changes on protein structure and function (SIFT, PolyPhen-2, Align-GVGD) all suggest that this variant is likely to be disruptive. ClinVar contains an entry for this variant (Variation ID: 1492217). This variant has not been reported in the literature in individuals affected with C1S-related conditions. This variant is not present in population databases (gnomAD no frequency). This sequence change replaces threonine, which is neutral and polar, with serine, which is neutral and polar, at codon 613 of the C1S protein (p.Thr613Ser).

NM_001734.5(C1S):c.1837A>T (p.Thr613Ser)

Gene: C1S (complement C1s; plus strand). Cytogenetic location: 12p13.31.
Variant type: single nucleotide variant.
Coding change: c.1837A>T on transcript NM_001734.5 (MANE Select); coding-DNA position 1837, A replaced by T.
Protein change: p.Thr613Ser; replaces threonine 613 with serine.
Molecular consequence: missense variant.
Genome position (GRCh38, 1-based): chr12:7,070,421, A>T. VCF-style: chr12-7070421-A-T. GRCh37 (hg19) VCF-style: chr12-7177725-A-T.
Other names: c.1336A>T, p.Thr446Ser (NM_001346850.2); c.1837A>T, p.Thr613Ser (NM_201442.4); c.1837A>T (NM_201442.2); short protein forms T446S, T613S.
Identifiers: ClinVar variation 1492217 (VCV001492217.9), dbSNP rs1937820209, ClinGen allele CA383707347.